The following is an entry in ClinVar:

NM_004360.5(CDH1):c.2076T>C (p.Ala692=)

Gene: CDH1 (cadherin 1; plus strand). Cytogenetic location: 16q22.1.
Variant type: single nucleotide variant.
Coding change: c.2076T>C on transcript NM_004360.5 (MANE Select); coding-DNA position 2076, T replaced by C.
Protein change: p.Ala692=; no amino-acid change (alanine 692 retained).
Molecular consequence: synonymous variant.
Genome position (GRCh38, 1-based): chr16:68,823,538, T>C. VCF-style: chr16-68823538-T-C. GRCh37 (hg19) VCF-style: chr16-68857441-T-C.
Other names: c.1893T>C, p.Ala631= (NM_001317184.2); c.528T>C, p.Ala176= (NM_001317185.2); c.111T>C, p.Ala37= (NM_001317186.2).
Identifiers: ClinVar variation 142770 (VCV000142770.58), dbSNP rs1801552, ClinGen allele CA169363.

ClinVar aggregate classification (germline): Benign. Review status: reviewed by expert panel (3 of 4 stars). 25 submissions from 21 submitters: Benign (1). 24 of the submissions do not count toward it. Last evaluated 2023-08-09.

Conditions:
CDH1-related diffuse gastric and lobular breast cancer syndrome. Also called: CDH1-related diffuse gastric and lobular breast cancer. Identifiers: MedGen CN311521, MONDO:0100488.
Blepharocheilodontic syndrome 1 (BCDS1). Identifiers: Orphanet 1997, MedGen C4551988, MONDO:0054740, OMIM 119580.
Hereditary cancer-predisposing syndrome. Also called: Neoplastic Syndromes, Hereditary; Hereditary neoplastic syndrome; Hereditary Cancer Syndrome; Tumor predisposition. Identifiers: Orphanet 140162, MedGen C0027672, MeSH D009386, MONDO:0015356.
Hereditary diffuse gastric adenocarcinoma (HDGC). Also called: DIFFUSE GASTRIC AND LOBULAR BREAST CANCER SYNDROME. Identifiers: Orphanet 26106, MedGen C1708349, MONDO:0007648, OMIM 137215.
Prostate cancer. Also called: Malignant tumor of prostate. Identifiers: Orphanet 1331, MedGen C0376358, MONDO:0008315, HP:0012125.
Familial cancer of breast. Also called: hereditary breast carcinoma; BREAST CANCER, FAMILIAL; Hereditary breast cancer. Identifiers: Orphanet 227535, MedGen C0346153, MONDO:0016419, OMIM 114480. Disease mechanism: loss of function.

Allele frequency attached by ClinVar (database versions not stated): gnomAD 0.70379 and 0.69943; ESP Exome Variant Server 0.71614; gnomAD exomes 0.63475 and 0.65105; ExAC 0.65481; TOPMed 0.71095; 1000 Genomes Project 0.71865; 1000 Genomes Project 30x 0.71893.
gnomAD v4.1: 1,034,771 of 1,613,322 alleles (64%); highest among the groups gnomAD compares: African/African-American, 89%; 335,159 homozygotes.

Submissions (25):

Clingen Gastric Cancer Variant Curation Expert Panel
Classification: Benign for CDH1-related diffuse gastric and lobular breast cancer syndrome. Last evaluated: 2023-08-09. Review status: reviewed by expert panel. Criteria: ClinGen CDH1 ACMG Specifications V3.1. Collection method: curation. Allele origin: germline. Inheritance: Autosomal dominant inheritance.
Comment: The NM_004360.5(CDH1):c.2076T>C (p.Ala692=) variant has an allele frequency of 0.88894 (88.89%, 22156/24924 alleles, 9856 homozygotes) in the African subpopulation of the gnomAD v2.1.1 cohort (BA1; BP2_Supporting). Therefore, this variant meets criteria to be classified as benign. ACMG/AMP criteria applied, as specified by the CDH1 Variant Curation Expert Panel (Variant Interpretation Guidelines Version 3.1): BA1, BP2_Supporting.

Labcorp Genetics (formerly Invitae), Labcorp
Classification: Benign for Hereditary diffuse gastric adenocarcinoma. Last evaluated: 2026-02-04. Review status: criteria provided, single submitter. Criteria: Invitae Variant Classification Sherloc (09022015). Collection method: clinical testing. Allele origin: germline. Not counted in ClinVar's aggregate classification.

ARUP Laboratories, Molecular Genetics and Genomics, ARUP Laboratories
Classification: Benign. Last evaluated: 2025-07-30. Review status: criteria provided, single submitter. Criteria: ARUP Molecular Germline Variant Investigation Process 2024. Collection method: clinical testing. Allele origin: germline. Not counted in ClinVar's aggregate classification.

GeneKor MSA
Classification: Benign for Hereditary cancer-predisposing syndrome. Last evaluated: 2025-07-10. Review status: criteria provided, single submitter. Criteria: ACMG Guidelines, 2015. Collection method: clinical testing. Allele origin: germline. Not counted in ClinVar's aggregate classification.

KCCC/NGS Laboratory, Kuwait Cancer Control Center
Classification: Benign for Hereditary diffuse gastric adenocarcinoma. Last evaluated: 2025-02-01. Review status: criteria provided, single submitter. Criteria: ACMG Guidelines, 2015. Collection method: clinical testing. Allele origin: germline. Affected: no. Not counted in ClinVar's aggregate classification.

Blueprint Genetics
Classification: Benign. Last evaluated: 2024-11-27. Review status: criteria provided, single submitter. Criteria: ACMG Guidelines, 2015. Collection method: clinical testing. Allele origin: germline. Not counted in ClinVar's aggregate classification.

Myriad Genetics, Inc.
Classification: Benign for Hereditary diffuse gastric adenocarcinoma. Last evaluated: 2024-09-20. Review status: criteria provided, single submitter. Criteria: Myriad Autosomal Dominant, Autosomal Recessive and X-Linked Classification Criteria (2023). Collection method: clinical testing. Allele origin: unknown. Not counted in ClinVar's aggregate classification.
Comment: This variant is considered benign. This variant is a silent/synonymous amino acid change and it is not expected to impact splicing.

KCCC/NGS Laboratory, Kuwait Cancer Control Center
Classification: Benign for Familial prostate cancer. Last evaluated: 2023-07-07. Review status: criteria provided, single submitter. Criteria: ACMG Guidelines, 2015. Collection method: clinical testing. Allele origin: germline. Affected: yes. Not counted in ClinVar's aggregate classification.

Genome-Nilou Lab
Classification: Benign for Blepharocheilodontic syndrome 1. Last evaluated: 2021-07-14. Review status: criteria provided, single submitter. Criteria: ACMG Guidelines, 2015. Collection method: clinical testing. Allele origin: germline. Affected: no. Not counted in ClinVar's aggregate classification.

Genome-Nilou Lab
Classification: Benign for Hereditary diffuse gastric adenocarcinoma. Last evaluated: 2021-07-14. Review status: criteria provided, single submitter. Criteria: ACMG Guidelines, 2015. Collection method: clinical testing. Allele origin: germline. Affected: no. Not counted in ClinVar's aggregate classification.

Genome-Nilou Lab
Classification: Benign for Familial cancer of breast. Last evaluated: 2021-07-14. Review status: criteria provided, single submitter. Criteria: ACMG Guidelines, 2015. Collection method: clinical testing. Allele origin: germline. Affected: no. Not counted in ClinVar's aggregate classification.

Genome-Nilou Lab
Classification: Benign for Familial prostate cancer. Last evaluated: 2021-07-14. Review status: criteria provided, single submitter. Criteria: ACMG Guidelines, 2015. Collection method: clinical testing. Allele origin: germline. Affected: no. Not counted in ClinVar's aggregate classification.

Illumina Laboratory Services, Illumina
Classification: Benign for Hereditary diffuse gastric adenocarcinoma. Last evaluated: 2018-01-12. Review status: criteria provided, single submitter. Criteria: ICSL Variant Classification Criteria 13 December 2019. Collection method: clinical testing. Allele origin: germline. Not counted in ClinVar's aggregate classification.
Comment: This variant was observed in the ICSL laboratory as part of a predisposition screen in an ostensibly healthy population. It had not been previously curated by ICSL or reported in the Human Gene Mutation Database (HGMD: prior to June 1st, 2018), and was therefore a candidate for classification through an automated scoring system. Utilizing variant allele frequency, disease prevalence and penetrance estimates, and inheritance mode, an automated score was calculated to assess if this variant is too frequent to cause the disease. Based on the score and internal cut-off values, a variant classified as benign is not then subjected to further curation. The score for this variant resulted in a classification of benign for this disease.

Laboratory for Molecular Medicine, Mass General Brigham Personalized Medicine
Classification: Benign. Last evaluated: 2016-03-29. Review status: criteria provided, single submitter. Criteria: LMM Criteria. Collection method: clinical testing. Allele origin: germline. Not counted in ClinVar's aggregate classification.
Comment: Variant identified in a genome or exome case(s) and assessed due to predicted null impact of the variant or pathogenic assertions in the literature or databases. Disclaimer: This variant has not undergone full assessment. The following are preliminary notes: Frequency

Color Diagnostics, LLC DBA Color Health
Classification: Benign for Hereditary cancer-predisposing syndrome. Last evaluated: 2015-03-31. Review status: criteria provided, single submitter. Criteria: ACMG Guidelines, 2015. Collection method: clinical testing. Allele origin: germline. Not counted in ClinVar's aggregate classification.

GeneDx
Classification: Benign. Last evaluated: 2015-03-03. Review status: criteria provided, single submitter. Criteria: GeneDx Variant Classification Process June 2021. Collection method: clinical testing. Allele origin: germline. Affected: yes. Not counted in ClinVar's aggregate classification.
Comment: This variant is associated with the following publications: (PMID: 25648022, 24838934)

Ambry Genetics
Classification: Benign for Hereditary cancer-predisposing syndrome. Last evaluated: 2014-08-29. Review status: criteria provided, single submitter. Criteria: Ambry Variant Classification Scheme 2023. Collection method: clinical testing. Allele origin: germline. Not counted in ClinVar's aggregate classification.

Breakthrough Genomics
Classification: Benign. Review status: criteria provided, single submitter. Criteria: ACMG Guidelines, 2015. Collection method: not provided. Allele origin: germline. Inheritance: Autosomal dominant inheritance. Affected: yes. Not counted in ClinVar's aggregate classification.

PreventionGenetics, part of Exact Sciences
Classification: Benign. Review status: criteria provided, single submitter. Criteria: ACMG Guidelines, 2015. Collection method: clinical testing. Allele origin: germline. Not counted in ClinVar's aggregate classification.

Clinical Genetics Laboratory, Department of Pathology, Netherlands Cancer Institute
Classification: Benign. Review status: no assertion criteria provided. Collection method: clinical testing. Allele origin: germline. Affected: yes. Study: VKGL Data-share Consensus. Not counted in ClinVar's aggregate classification.

Clinical Genetics, Academic Medical Center
Classification: Benign. Review status: no assertion criteria provided. Collection method: clinical testing. Allele origin: germline. Affected: yes. Study: VKGL Data-share Consensus. Not counted in ClinVar's aggregate classification.

Department of Pathology and Laboratory Medicine, Sinai Health System
Classification: Benign. Review status: no assertion criteria provided. Collection method: clinical testing. Allele origin: unknown. Affected: yes. Study: The Canadian Open Genetics Repository (COGR). Not counted in ClinVar's aggregate classification.
Comment: EXAC frequency 65%

Diagnostic Laboratory, Department of Genetics, University Medical Center Groningen
Classification: Benign. Review status: no assertion criteria provided. Collection method: clinical testing. Allele origin: germline. Affected: yes. Study: VKGL Data-share Consensus. Not counted in ClinVar's aggregate classification.

Joint Genome Diagnostic Labs from Nijmegen and Maastricht, Radboudumc and MUMC+
Classification: Benign. Review status: no assertion criteria provided. Collection method: clinical testing. Allele origin: germline. Affected: yes. Study: VKGL Data-share Consensus. Not counted in ClinVar's aggregate classification.

Mayo Clinic Laboratories, Mayo Clinic
Classification: Benign. Review status: no assertion criteria provided. Collection method: clinical testing. Allele origin: unknown. Not counted in ClinVar's aggregate classification.